The following is an entry in ClinVar:

NM_014874.4(MFN2):c.816+4C>T

Gene: MFN2 (mitofusin 2; plus strand). Cytogenetic location: 1p36.22.
Variant type: single nucleotide variant.
Coding change: c.816+4C>T on transcript NM_014874.4 (MANE Select); 4 bases into the intron after coding-DNA position 816, C replaced by T.
Molecular consequence: intron variant.
Genome position (GRCh38, 1-based): chr1:11,999,099, C>T. VCF-style: chr1-11999099-C-T. GRCh37 (hg19) VCF-style: chr1-12059156-C-T.
Other names: c.816+4C>T (NM_001127660.2).
Identifiers: ClinVar variation 1377762 (VCV001377762.31), dbSNP rs374018931, ClinGen allele CA598923.

ClinVar aggregate classification (germline): Conflicting classifications of pathogenicity. Review status: criteria provided, conflicting classifications (1 of 4 stars). 4 submissions from 4 submitters: Uncertain significance (3); Likely benign (1). Last evaluated 2024-10-28.

Conditions:
Inborn genetic diseases. Identifiers: MedGen C0950123, MeSH D030342.
Charcot-Marie-Tooth disease type 2. Also called: Charcot-Marie-Tooth type 2. Identifiers: Orphanet 64746, MedGen C0270914, MONDO:0018993.

Allele frequency attached by ClinVar (database versions not stated): gnomAD 0.00001; TOPMed 0.00001; gnomAD exomes 0.00002 and 0.00004; ExAC 0.00003; ESP Exome Variant Server 0.00008.
gnomAD v4.1: 29 of 1,613,742 alleles (0.0018%); highest among the groups gnomAD compares: Middle Eastern, 0.033%; no homozygotes.

Submissions (4):

Blueprint Genetics
Classification: Likely benign. Last evaluated: 2024-10-28. Review status: criteria provided, single submitter. Criteria: ACMG Guidelines, 2015. Collection method: clinical testing. Allele origin: germline.

Labcorp Genetics (formerly Invitae), Labcorp
Classification: Uncertain significance for Charcot-Marie-Tooth disease type 2. Last evaluated: 2024-10-12. Review status: criteria provided, single submitter. Criteria: Invitae Variant Classification Sherloc (09022015). Collection method: clinical testing. Allele origin: germline.
Comment: This sequence change falls in intron 8 of the MFN2 gene. It does not directly change the encoded amino acid sequence of the MFN2 protein. It affects a nucleotide within the consensus splice site. This variant is present in population databases (rs374018931, gnomAD 0.005%). This variant has not been reported in the literature in individuals affected with MFN2-related conditions. ClinVar contains an entry for this variant (Variation ID: 1377762). Variants that disrupt the consensus splice site are a relatively common cause of aberrant splicing (PMID: 17576681, 9536098). Algorithms developed to predict the effect of sequence changes on RNA splicing suggest that this variant is not likely to affect RNA splicing. In summary, the available evidence is currently insufficient to determine the role of this variant in disease. Therefore, it has been classified as a Variant of Uncertain Significance.

Ambry Genetics
Classification: Uncertain significance for Inborn genetic diseases. Last evaluated: 2023-12-01. Review status: criteria provided, single submitter. Criteria: Ambry Variant Classification Scheme 2023. Collection method: clinical testing. Allele origin: germline.
Comment: The c.816+4C>T intronic alteration consists of a C to T substitution nucleotides after coding exon 6 in the MFN2 gene. Based on insufficient or conflicting evidence, the clinical significance of this alteration remains unclear.

CeGaT Center for Human Genetics Tuebingen
Classification: Uncertain significance. Last evaluated: 2023-12-01. Review status: criteria provided, single submitter. Criteria: CeGaT Center For Human Genetics Tuebingen Variant Classification Criteria Version 2. Collection method: clinical testing. Allele origin: germline. Affected: yes. Observed: 1 variant allele.
Comment: MFN2: PM2, BP4

Literature cited by the submitters: PubMed 17576681 (cited by Labcorp Genetics (formerly Invitae), Labcorp); PubMed 9536098 (cited by Labcorp Genetics (formerly Invitae), Labcorp).